The following is an entry in ClinVar:

ClinVar aggregate classification (germline): Likely pathogenic (1 of 4 stars; one submission).

Conditions:
LAMA2-related muscular dystrophy (LAMA2-RD). Also called: Laminin alpha 2-related dystrophy. Identifiers: MedGen C5679788, MONDO:0100228.

Submission:

Myriad Genetics, Inc.
Classification: Likely pathogenic for LAMA2-related muscular dystrophy. Last evaluated: 2022-02-25. Review status: criteria provided, single submitter. Criteria: Myriad Autosomal Dominant, Autosomal Recessive and X-Linked Classification Criteria (2023). Collection method: clinical testing. Allele origin: unknown.
Comment: NM_000426.3(LAMA2):c.6030_6031delGG(D2011Sfs*7) is expected to be pathogenic in the context of muscular dystrophy, LAMA2-related. This variant is predicted to lead to an abnormal or absent protein product due to the creation of a premature termination codon in LAMA2, a gene where loss-of-function variants are known to be pathogenic. Please note: this variant was assessed in the context of healthy population screening.

NM_000426.4(LAMA2):c.6030_6031del (p.Asp2011fs)

Gene: LAMA2 (laminin subunit alpha 2; plus strand). Cytogenetic location: 6q22.33.
Variant type: Deletion.
Coding change: c.6030_6031del on transcript NM_000426.4 (MANE Select); coding-DNA positions 6030 to 6031, 2 bases deleted (GG; older notation c.6030_6031delGG).
Protein change: p.Asp2011fs; shifts the reading frame from aspartic acid 2011.
Molecular consequence: frameshift variant.
Genome position (GRCh38, 1-based): chr6:129,438,707-129,438,708, GG deleted; deleting any 2 consecutive bases within chr6:129,438,705-129,438,708 gives the same sequence; the c. name uses the placement nearest the transcript's 3' end. VCF-style (leftmost placement, unchanged base first): chr6-129438704-TGG-T. GRCh37 (hg19) VCF-style: chr6-129759849-TGG-T.
Other names: c.6030_6031del, p.Asp2011fs (NM_001079823.2); short protein forms D2011fs.
Identifiers: ClinVar variation 1724772 (VCV001724772.3), dbSNP rs2114761115, ClinGen allele CA2580075050.